The following is an entry in ClinVar:

ClinVar aggregate classification (germline): Uncertain significance (1 of 4 stars; one submission).

Submission:

Labcorp Genetics (formerly Invitae), Labcorp
Classification: Uncertain significance. Last evaluated: 2025-04-22. Review status: criteria provided, single submitter. Criteria: Invitae Variant Classification Sherloc (09022015). Collection method: clinical testing. Allele origin: germline.
Comment: This sequence change replaces alanine, which is neutral and non-polar, with valine, which is neutral and non-polar, at codon 561 of the TNFRSF11A protein (p.Ala561Val). The frequency data for this variant in the population databases is considered unreliable, as metrics indicate poor data quality at this position in the gnomAD database. This variant has not been reported in the literature in individuals affected with TNFRSF11A-related conditions. ClinVar contains an entry for this variant (Variation ID: 3608573). An algorithm developed to predict the effect of missense changes on protein structure and function outputs the following: PolyPhen-2: "Benign". The valine amino acid residue is found in multiple mammalian species, which suggests that this missense change does not adversely affect protein function. In summary, the available evidence is currently insufficient to determine the role of this variant in disease. Therefore, it has been classified as a Variant of Uncertain Significance.

NM_003839.4(TNFRSF11A):c.1682C>T (p.Ala561Val)

Gene: TNFRSF11A (TNF receptor superfamily member 11a; plus strand). Cytogenetic location: 18q21.33.
Variant type: single nucleotide variant.
Coding change: c.1682C>T on transcript NM_003839.4 (MANE Select); coding-DNA position 1682, C replaced by T.
Protein change: p.Ala561Val; replaces alanine 561 with valine.
Molecular consequence: missense variant. On other transcripts: 3 prime UTR variant (1).
Genome position (GRCh38, 1-based): chr18:62,384,865, C>T. VCF-style: chr18-62384865-C-T. GRCh37 (hg19) VCF-style: chr18-60052098-C-T.
Other names: c.*106C>T (NM_001270949.2); c.845C>T, p.Ala282Val (NM_001270950.2); c.731C>T, p.Ala244Val (NM_001270951.2); c.1640C>T, p.Ala547Val (NM_001278268.2); short protein forms A244V, A282V, A547V, A561V.
Identifiers: ClinVar variation 3608573 (VCV003608573.2).
Genomic context (GRCh38, chr18:62,384,865, plus strand): 5'-ACTTCAAGGGCGACATCATCGTGGTCTACGTCAGCCAGACCTCGCAGGAGGGCGCGGCGG[C>T]GGCTGCGGAGCCCATGGGCCGCCCGGTGCAGGAGGAGACCCTGGCGCGCCGAGACTCCTT-3'
Protein context (NP_003830.1, residues 551-571): VSQTSQEGAA[Ala561Val]AAEPMGRPVQ